The following is an entry in ClinVar:

ClinVar aggregate classification (germline): Uncertain significance (1 of 4 stars; one submission).

Submission:

Ambry Genetics
Classification: Uncertain significance. Last evaluated: 2024-04-14. Review status: criteria provided, single submitter. Criteria: Ambry Variant Classification Scheme 2023. Collection method: clinical testing. Allele origin: germline.
Comment: The p.F530C variant (also known as c.1589T>G), located in coding exon 14 of the BUB1 gene, results from a T to G substitution at nucleotide position 1589. The phenylalanine at codon 530 is replaced by cysteine, an amino acid with highly dissimilar properties. This amino acid position is conserved. In addition, the in silico prediction for this alteration is inconclusive. Based on the available evidence, the clinical significance of this variant remains unclear.

NM_004336.5(BUB1):c.1589T>G (p.Phe530Cys)

Gene: BUB1 (BUB1 mitotic checkpoint serine/threonine kinase; minus strand). Cytogenetic location: 2q13.
Variant type: single nucleotide variant.
Coding change: c.1589T>G on transcript NM_004336.5 (MANE Select); coding-DNA position 1589, T replaced by G.
Protein change: p.Phe530Cys; replaces phenylalanine 530 with cysteine.
Molecular consequence: missense variant.
Genome position (GRCh38, 1-based): chr2:110,657,573, A>C on the plus strand (T>G on the coding strand, the complement: BUB1 is on the minus strand). VCF-style: chr2-110657573-A-C. GRCh37 (hg19) VCF-style: chr2-111415150-A-C.
Other names: c.1529T>G, p.Phe510Cys (NM_001278616.2); c.1589T>G, p.Phe530Cys (NM_001278617.2); short protein forms F510C, F530C.
Identifiers: ClinVar variation 3262141 (VCV003262141.1).
Genomic context (GRCh38, chr2:110,657,573, plus strand): 5'-CAGCATCCCATTAACTAGATGGTATTTTTTTACCCATAATTTTCTTTGTTTCCATCTTCA[A>C]ACACATGAAAAGCAGATGACAAAGAAGAGATGATCTTATTGACTCCCCAAGCCCCAGATG-3'
Protein context (NP_004327.1, residues 520-540): ISSLSSAFHV[Phe530Cys]EDGNKENYGL